The following is an entry in ClinVar:

ClinVar aggregate classification (germline): Benign/Likely benign. Review status: criteria provided, multiple submitters, no conflicts (2 of 4 stars). 4 submissions from 4 submitters: Benign (3); Likely benign (1). Last evaluated 2026-02-02.

Allele frequency attached by ClinVar (database versions not stated): 1000 Genomes Project 0.00359; 1000 Genomes Project 30x 0.00359; gnomAD exomes 0.00717 and 0.01010; ExAC 0.00727; TOPMed 0.00734; gnomAD 0.00751 and 0.00790; ESP Exome Variant Server 0.00877.
gnomAD v4.1: 15,776 of 1,613,076 alleles (0.98%); highest among the groups gnomAD compares: Non-Finnish European, 1.2%; 90 homozygotes.

Submissions (4):

Labcorp Genetics (formerly Invitae), Labcorp
Classification: Benign. Last evaluated: 2026-02-02. Review status: criteria provided, single submitter. Criteria: Invitae Variant Classification Sherloc (09022015). Collection method: clinical testing. Allele origin: germline.

Women's Health and Genetics/Laboratory Corporation of America, LabCorp
Classification: Likely benign. Last evaluated: 2026-01-22. Review status: criteria provided, single submitter. Criteria: LabCorp Variant Classification Summary - May 2015. Collection method: clinical testing. Allele origin: germline.

CeGaT Center for Human Genetics Tuebingen
Classification: Benign. Last evaluated: 2025-01-01. Review status: criteria provided, single submitter. Criteria: CeGaT Center For Human Genetics Tuebingen Variant Classification Criteria Version 2. Collection method: clinical testing. Allele origin: germline. Affected: yes. Observed: 9 variant alleles.
Comment: ALPK1: BS1, BS2

Breakthrough Genomics
Classification: Benign. Review status: criteria provided, single submitter. Criteria: ACMG Guidelines, 2015. Collection method: not provided. Allele origin: germline. Inheritance: Autosomal dominant inheritance. Affected: yes.

NM_025144.4(ALPK1):c.3350T>C (p.Leu1117Pro)

Gene: ALPK1 (alpha kinase 1; plus strand). Cytogenetic location: 4q25.
Variant type: single nucleotide variant.
Coding change: c.3350T>C on transcript NM_025144.4 (MANE Select); coding-DNA position 3350, T replaced by C.
Protein change: p.Leu1117Pro; replaces leucine 1117 with proline.
Molecular consequence: missense variant.
Genome position (GRCh38, 1-based): chr4:112,438,645, T>C. VCF-style: chr4-112438645-T-C. GRCh37 (hg19) VCF-style: chr4-113359801-T-C.
Other names: c.3350T>C, p.Leu1117Pro (NM_001102406.2); c.3116T>C, p.Leu1039Pro (NM_001253884.2); short protein forms L1117P, L1039P.
Identifiers: ClinVar variation 786816 (VCV000786816.34), dbSNP rs35756863, ClinGen allele CA3047146.